The following is an entry in ClinVar:

ClinVar aggregate classification (germline): Uncertain significance (1 of 4 stars; one submission).

gnomAD v4.1: 10 of 1,613,844 alleles (0.00062%); highest among the groups gnomAD compares: African/African-American, 0.0093%; no homozygotes.

Submission:

Labcorp Genetics (formerly Invitae), Labcorp
Classification: Uncertain significance. Last evaluated: 2024-11-04. Review status: criteria provided, single submitter. Criteria: Invitae Variant Classification Sherloc (09022015). Collection method: clinical testing. Allele origin: germline.
Comment: This sequence change creates a premature translational stop signal (p.Arg523*) in the GPR161 gene. While this is not anticipated to result in nonsense mediated decay, it is expected to disrupt the last 27 amino acid(s) of the GPR161 protein. This variant is present in population databases (rs145492270, gnomAD 0.008%). This variant has not been reported in the literature in individuals affected with GPR161-related conditions. In summary, the available evidence is currently insufficient to determine the role of this variant in disease. Therefore, it has been classified as a Variant of Uncertain Significance.

NM_001375883.1(GPR161):c.1507C>T (p.Arg503Ter)

Gene: GPR161 (G protein-coupled receptor 161; minus strand). Cytogenetic location: 1q24.2.
Variant type: single nucleotide variant.
Coding change: c.1507C>T on transcript NM_001375883.1 (MANE Select); coding-DNA position 1507, C replaced by T.
Protein change: p.Arg503Ter; replaces arginine 503 with a stop codon.
Molecular consequence: nonsense.
Genome position (GRCh38, 1-based): chr1:168,085,614, G>A on the plus strand (C>T on the coding strand, the complement: GPR161 is on the minus strand). VCF-style: chr1-168085614-G-A. GRCh37 (hg19) VCF-style: chr1-168054852-G-A.
Other names: c.1507C>T, p.Arg503Ter (NM_001349633.1, NM_001349634.1, NM_001375884.1 and 5 more transcripts); c.1111C>T, p.Arg371Ter (NM_001349635.1, NM_001267612.2); c.1567C>T, p.Arg523Ter (NM_001267609.1); c.1558C>T, p.Arg520Ter (NM_001267611.1); c.1273C>T, p.Arg425Ter (NM_001267613.1); c.1165C>T, p.Arg389Ter (NM_001267614.1); short protein forms R371*, R520*, R389*, R523*, R503*, R425*.
Identifiers: ClinVar variation 3717680 (VCV003717680.2).